The following is an entry in ClinVar:

NM_001369.3(DNAH5):c.10381G>A (p.Val3461Met)

Gene: DNAH5 (dynein axonemal heavy chain 5; minus strand). Cytogenetic location: 5p15.2.
Variant type: single nucleotide variant.
Coding change: c.10381G>A on transcript NM_001369.3 (MANE Select); coding-DNA position 10381, G replaced by A.
Protein change: p.Val3461Met; replaces valine 3461 with methionine.
Molecular consequence: missense variant.
Genome position (GRCh38, 1-based): chr5:13,758,884, C>T on the plus strand (G>A on the coding strand, the complement: DNAH5 is on the minus strand). VCF-style: chr5-13758884-C-T. GRCh37 (hg19) VCF-style: chr5-13758993-C-T.
Other names: short protein forms V3461M.
Identifiers: ClinVar variation 2110922 (VCV002110922.1), dbSNP rs770152494, ClinGen allele CA3202259.

ClinVar aggregate classification (germline): Uncertain significance (1 of 4 stars; one submission).

Conditions:
Primary ciliary dyskinesia. Also called: Ciliary dyskinesia. Identifiers: Orphanet 244, MedGen C0008780, MONDO:0016575, HP:0012265.

Allele frequency attached by ClinVar (database versions not stated): ExAC 0.00001.
gnomAD v4.1: 1 of 1,614,202 alleles (0.000062%); highest among the groups gnomAD compares: Non-Finnish European, 0.000085%; no homozygotes.

Submission:

Labcorp Genetics (formerly Invitae), Labcorp
Classification: Uncertain significance for Primary ciliary dyskinesia. Last evaluated: 2022-05-25. Review status: criteria provided, single submitter. Criteria: Invitae Variant Classification Sherloc (09022015). Collection method: clinical testing. Allele origin: germline.
Comment: This sequence change replaces valine, which is neutral and non-polar, with methionine, which is neutral and non-polar, at codon 3461 of the DNAH5 protein (p.Val3461Met). This variant is present in population databases (rs770152494, gnomAD 0.0009%). This variant has not been reported in the literature in individuals affected with DNAH5-related conditions. Advanced modeling of protein sequence and biophysical properties (such as structural, functional, and spatial information, amino acid conservation, physicochemical variation, residue mobility, and thermodynamic stability) performed at Invitae indicates that this missense variant is not expected to disrupt DNAH5 protein function. In summary, the available evidence is currently insufficient to determine the role of this variant in disease. Therefore, it has been classified as a Variant of Uncertain Significance.